The following is an entry in ClinVar:

NM_012096.3(APPL1):c.50C>G (p.Pro17Arg)

Genes: APPL1 (adaptor protein, phosphotyrosine interacting with PH domain and leucine zipper 1; plus strand), LOC129936926 (ATAC-STARR-seq lymphoblastoid silent region 14480; plus strand). Cytogenetic location: 3p14.3.
Variant type: single nucleotide variant.
Coding change: c.50C>G on transcript NM_012096.3 (MANE Select); coding-DNA position 50, C replaced by G.
Protein change: p.Pro17Arg; replaces proline 17 with arginine.
Molecular consequence: missense variant.
Genome position (GRCh38, 1-based): chr3:57,227,933, C>G. VCF-style: chr3-57227933-C-G. GRCh37 (hg19) VCF-style: chr3-57261961-C-G.
Other names: short protein forms P17R.
Identifiers: ClinVar variation 2982755 (VCV002982755.3), dbSNP rs1329989662, ClinGen allele CA353403862.

ClinVar aggregate classification (germline): Uncertain significance (1 of 4 stars; one submission).

Submission:

Labcorp Genetics (formerly Invitae), Labcorp
Classification: Uncertain significance. Last evaluated: 2024-10-30. Review status: criteria provided, single submitter. Criteria: Invitae Variant Classification Sherloc (09022015). Collection method: clinical testing. Allele origin: germline.
Comment: This sequence change replaces proline, which is neutral and non-polar, with arginine, which is basic and polar, at codon 17 of the APPL1 protein (p.Pro17Arg). This variant is not present in population databases (gnomAD no frequency). This variant has not been reported in the literature in individuals affected with APPL1-related conditions. ClinVar contains an entry for this variant (Variation ID: 2982755). Invitae Evidence Modeling of protein sequence and biophysical properties (such as structural, functional, and spatial information, amino acid conservation, physicochemical variation, residue mobility, and thermodynamic stability) has been performed for this missense variant. However, the output from this modeling did not meet the statistical confidence thresholds required to predict the impact of this variant on APPL1 protein function. In summary, the available evidence is currently insufficient to determine the role of this variant in disease. Therefore, it has been classified as a Variant of Uncertain Significance.